The following is an entry in ClinVar:

NM_020949.3(SLC7A14):c.392T>C (p.Val131Ala)

Genes: SLC7A14 (solute carrier family 7 member 14; minus strand), SLC7A14-AS1 (SLC7A14 antisense RNA 1; plus strand). Cytogenetic location: 3q26.2.
Variant type: single nucleotide variant.
Coding change: c.392T>C on transcript NM_020949.3 (MANE Select); coding-DNA position 392, T replaced by C.
Protein change: p.Val131Ala; replaces valine 131 with alanine.
Molecular consequence: missense variant.
Genome position (GRCh38, 1-based): chr3:170,501,258, A>G on the plus strand (T>C on the coding strand, the complement: SLC7A14 is on the minus strand). VCF-style: chr3-170501258-A-G. GRCh37 (hg19) VCF-style: chr3-170219047-A-G.
Other names: c.392T>C (NM_020949.2); short protein forms V131A.
Identifiers: ClinVar variation 1511632 (VCV001511632.8), dbSNP rs761869185, ClinGen allele CA2701943.

ClinVar aggregate classification (germline): Uncertain significance. Review status: criteria provided, multiple submitters, no conflicts (2 of 4 stars). 3 submissions from 3 submitters: Uncertain significance (3). Last evaluated 2024-12-31.

Allele frequency attached by ClinVar (database versions not stated): gnomAD 0.00001; TOPMed 0.00001; gnomAD exomes 0.00002 and 0.00004; ExAC 0.00003.
gnomAD v4.1: 59 of 1,614,104 alleles (0.0037%); highest among the groups gnomAD compares: Non-Finnish European, 0.005%; no homozygotes.

Submissions (3):

Labcorp Genetics (formerly Invitae), Labcorp
Classification: Uncertain significance. Last evaluated: 2024-12-31. Review status: criteria provided, single submitter. Criteria: Invitae Variant Classification Sherloc (09022015). Collection method: clinical testing. Allele origin: germline.
Comment: This sequence change replaces valine, which is neutral and non-polar, with alanine, which is neutral and non-polar, at codon 131 of the SLC7A14 protein (p.Val131Ala). This variant is present in population databases (rs761869185, gnomAD 0.003%). This variant has not been reported in the literature in individuals affected with SLC7A14-related conditions. ClinVar contains an entry for this variant (Variation ID: 1511632). An algorithm developed to predict the effect of missense changes on protein structure and function (PolyPhen-2) suggests that this variant is likely to be disruptive. In summary, the available evidence is currently insufficient to determine the role of this variant in disease. Therefore, it has been classified as a Variant of Uncertain Significance.

Blueprint Genetics
Classification: Uncertain significance. Last evaluated: 2024-04-09. Review status: criteria provided, single submitter. Criteria: ACMG Guidelines, 2015. Collection method: clinical testing. Allele origin: germline.

Ambry Genetics
Classification: Uncertain significance. Last evaluated: 2021-11-30. Review status: criteria provided, single submitter. Criteria: Ambry Variant Classification Scheme 2023. Collection method: clinical testing. Allele origin: germline.